The following is an entry in ClinVar:

ClinVar aggregate classification (germline): Uncertain significance. Review status: criteria provided, multiple submitters, no conflicts (2 of 4 stars). 2 submissions from 2 submitters: Uncertain significance (2). Last evaluated 2025-07-31.

Conditions:
Inborn genetic diseases. Identifiers: MedGen C0950123, MeSH D030342.
Mitochondrial complex IV deficiency, nuclear type 1 (MC4DN1). Also called: COX DEFICIENCY; Mitochondrial complex IV deficiency; Complex 4 mitochondrial respiratory chain deficiency; Deficiency of mitochondrial respiratory chain complex4; Complex IV deficiency. Identifiers: MedGen C5435656, MONDO:0700250, OMIM 220110. Disease mechanism: loss of function.

Allele frequency attached by ClinVar (database versions not stated): gnomAD exomes below 0.00001.
gnomAD v4.1: 4 of 1,614,054 alleles (0.00025%); highest among the groups gnomAD compares: Middle Eastern, 0.033%; no homozygotes.

Submissions (2):

Ambry Genetics
Classification: Uncertain significance for Inborn genetic diseases. Last evaluated: 2025-07-31. Review status: criteria provided, single submitter. Criteria: Ambry Variant Classification Scheme 2023. Collection method: clinical testing. Allele origin: germline.

Baylor Genetics
Classification: Uncertain significance for Mitochondrial complex IV deficiency, nuclear type 1. Last evaluated: 2020-11-16. Review status: criteria provided, single submitter. Criteria: ACMG Guidelines, 2015. Collection method: clinical testing. Allele origin: maternal. Affected: yes.
Comment: This variant was determined to be of uncertain significance according to ACMG Guidelines, 2015 [PMID:25741868].

NM_001136193.2(FASTKD2):c.452C>T (p.Pro151Leu)

Gene: FASTKD2 (FAST kinase domains 2; plus strand). Cytogenetic location: 2q33.3.
Variant type: single nucleotide variant.
Coding change: c.452C>T on transcript NM_001136193.2 (MANE Select); coding-DNA position 452, C replaced by T.
Protein change: p.Pro151Leu; replaces proline 151 with leucine.
Molecular consequence: missense variant.
Genome position (GRCh38, 1-based): chr2:206,767,145, C>T. VCF-style: chr2-206767145-C-T. GRCh37 (hg19) VCF-style: chr2-207631869-C-T.
Other names: c.452C>T, p.Pro151Leu (NM_001136194.2, NM_014929.4); short protein forms P151L.
Identifiers: ClinVar variation 1027911 (VCV001027911.2), dbSNP rs1689529600, ClinGen allele CA350071024.